The following is an entry in ClinVar:

NM_013382.7(POMT2):c.2068T>G (p.Trp690Gly)

Gene: POMT2 (protein O-mannosyltransferase 2; minus strand). Cytogenetic location: 14q24.3.
Variant type: single nucleotide variant.
Coding change: c.2068T>G on transcript NM_013382.7 (MANE Select); coding-DNA position 2068, T replaced by G.
Protein change: p.Trp690Gly; replaces tryptophan 690 with glycine.
Molecular consequence: missense variant.
Genome position (GRCh38, 1-based): chr14:77,278,473, A>C on the plus strand (T>G on the coding strand, the complement: POMT2 is on the minus strand). VCF-style: chr14-77278473-A-C. GRCh37 (hg19) VCF-style: chr14-77744816-A-C.
Other names: short protein forms W690G.
Identifiers: ClinVar variation 4527976 (VCV004527976.1).
Genomic context (GRCh38, chr14:77,278,473, plus strand): 5'-GCAGGCTCAGGATTCCCGCCACATGTATGCCCCTCGCCAGGGGCCATGAGGCCAAGCCCC[A>C]GGCACAGAGCCGCAGGAGGGTGTCCCACAGAATGCCTAGAGGAGAGGAGAGAAACCTGGA-3'
Protein context (NP_037514.2, residues 680-700): LWDTLLRLCA[Trp690Gly]GLASWPLARG

ClinVar aggregate classification (germline): Uncertain significance (1 of 4 stars; one submission).

Submission:

GeneDx
Classification: Uncertain significance. Last evaluated: 2025-04-30. Review status: criteria provided, single submitter. Criteria: GeneDx Variant Classification Process June 2021. Collection method: clinical testing. Allele origin: germline. Affected: yes.
Comment: Not observed at significant frequency in large population cohorts (gnomAD); In silico analysis indicates that this missense variant does not alter protein structure/function; Has not been previously published as pathogenic or benign to our knowledge